The following is an entry in ClinVar:

ClinVar aggregate classification (germline): Uncertain significance (1 of 4 stars; one submission).

Conditions:
Hereditary cancer-predisposing syndrome. Also called: Neoplastic Syndromes, Hereditary; Tumor predisposition; Hereditary neoplastic syndrome; Hereditary Cancer Syndrome. Identifiers: Orphanet 140162, MedGen C0027672, MeSH D009386, MONDO:0015356.

Submission:

Ambry Genetics
Classification: Uncertain significance for Hereditary cancer-predisposing syndrome. Last evaluated: 2026-07-07. Review status: criteria provided, single submitter. Criteria: Ambry Variant Classification Scheme 2023. Collection method: clinical testing. Allele origin: germline.
Comment: The p.S311F variant (also known as c.932C>T), located in coding exon 2 of the AXIN2 gene, results from a C to T substitution at nucleotide position 932. The serine at codon 311 is replaced by phenylalanine, an amino acid with highly dissimilar properties. This amino acid position is conserved. In addition, this alteration is predicted to be deleterious by in silico analysis. Based on the available evidence, the clinical significance of this variant remains unclear.

NM_004655.4(AXIN2):c.932C>T (p.Ser311Phe)

Gene: AXIN2 (axin 2; minus strand). Cytogenetic location: 17q24.1.
Variant type: single nucleotide variant.
Coding change: c.932C>T on transcript NM_004655.4 (MANE Select); coding-DNA position 932, C replaced by T.
Protein change: p.Ser311Phe; replaces serine 311 with phenylalanine.
Molecular consequence: missense variant.
Genome position (GRCh38, 1-based): chr17:65,549,544, G>A on the plus strand (C>T on the coding strand, the complement: AXIN2 is on the minus strand). VCF-style: chr17-65549544-G-A. GRCh37 (hg19) VCF-style: chr17-63545662-G-A.
Other names: c.932C>T, p.Ser311Phe (NM_001363813.1); short protein forms S311F.
Identifiers: ClinVar variation 5032589 (VCV005032589.1).